The following is an entry in ClinVar:

NM_004341.5(CAD):c.5394+4C>G

Gene: CAD (carbamoyl-phosphate synthetase 2, aspartate transcarbamylase, and dihydroorotase; plus strand). Cytogenetic location: 2p23.3.
Variant type: single nucleotide variant.
Coding change: c.5394+4C>G on transcript NM_004341.5 (MANE Select); 4 bases into the intron after coding-DNA position 5394, C replaced by G.
Molecular consequence: intron variant.
Genome position (GRCh38, 1-based): chr2:27,239,475, C>G. VCF-style: chr2-27239475-C-G. GRCh37 (hg19) VCF-style: chr2-27462343-C-G.
Other names: c.5205+4C>G (NM_001306079.2).
Identifiers: ClinVar variation 2123212 (VCV002123212.1), dbSNP rs376818898, ClinGen allele CA44516067.
Genomic context (GRCh38, chr2:27,239,475, plus strand): 5'-AAGGGCACCGTCCGCCGTGTGGTCCTGCGAGGGGAGGTTGCCTATATCGATGGGCAGGTA[C>G]GCAAGTAGCCCCTGCCTGATCTCAGTAGTGCCCTCTTCTGCACCACGTTCATTTCTTCCC-3'

ClinVar aggregate classification (germline): Uncertain significance (1 of 4 stars; one submission).

Allele frequency attached by ClinVar (database versions not stated): ESP Exome Variant Server 0.00008.
gnomAD v4.1: 4 of 1,612,726 alleles (0.00025%); highest among the groups gnomAD compares: African/African-American, 0.004%; no homozygotes.

Submission:

Labcorp Genetics (formerly Invitae), Labcorp
Classification: Uncertain significance. Last evaluated: 2022-04-08. Review status: criteria provided, single submitter. Criteria: Invitae Variant Classification Sherloc (09022015). Collection method: clinical testing. Allele origin: germline.
Comment: This sequence change falls in intron 33 of the CAD gene. It does not directly change the encoded amino acid sequence of the CAD protein. It affects a nucleotide within the consensus splice site. This variant is not present in population databases (gnomAD no frequency). This variant has not been reported in the literature in individuals affected with CAD-related conditions. Variants that disrupt the consensus splice site are a relatively common cause of aberrant splicing (PMID: 17576681, 9536098). Algorithms developed to predict the effect of sequence changes on RNA splicing suggest that this variant is not likely to affect RNA splicing. In summary, the available evidence is currently insufficient to determine the role of this variant in disease. Therefore, it has been classified as a Variant of Uncertain Significance.

Literature cited by the submitters: PubMed 17576681; PubMed 9536098.